The following is an entry in ClinVar:

ClinVar aggregate classification (germline): Uncertain significance (1 of 4 stars; one submission).

Conditions:
Holoprosencephaly 3 (HPE3). Identifiers: Orphanet 2162, MedGen C1840529, MONDO:0007733, OMIM 142945.

Allele frequency attached by ClinVar (database versions not stated): gnomAD 0.00015; TOPMed 0.00017.
gnomAD v4.1: 23 of 152,180 alleles (0.015%); highest among the groups gnomAD compares: African/African-American, 0.053%; no homozygotes.

Submission:

Labcorp Genetics (formerly Invitae), Labcorp
Classification: Uncertain significance for Holoprosencephaly 3. Last evaluated: 2024-11-11. Review status: criteria provided, single submitter. Criteria: Invitae Variant Classification Sherloc (09022015). Collection method: clinical testing. Allele origin: germline.
Comment: This variant occurs in a non-coding region of the SHH gene. It does not change the encoded amino acid sequence of the SHH protein. This variant is present in population databases (no rsID available, gnomAD 0.03%). This variant has not been reported in the literature in individuals affected with SHH-related conditions. Experimental studies and prediction algorithms are not available or were not evaluated, and the effect of this variant on mRNA splicing is currently unknown. In summary, the available evidence is currently insufficient to determine the role of this variant in disease. Therefore, it has been classified as a Variant of Uncertain Significance.

NC_000007.14:g.156764204G>A

Genes: LMBR1 (limb development membrane protein 1; minus strand), SHH (sonic hedgehog signaling molecule; minus strand). Cytogenetic location: 7q36.3.
Variant type: single nucleotide variant.
Molecular consequence: intron variant (on NM_022458.4).
Genome position: GRCh38 VCF-style: chr7-156764204-G-A. GRCh37 (hg19) VCF-style: chr7-156556898-G-A.
Other names: c.361-409C>T (NM_001363412.2); c.145-409C>T (NM_001350954.2); c.424-409C>T (NM_001363410.2, NM_022458.4, NM_001363409.2 and 1 more transcripts); c.-33-409C>T (NM_001350958.2, NM_001350956.2, NM_001350955.2 and 1 more transcripts); c.55-409C>T (NM_001350957.2, NM_001363411.2).
Identifiers: ClinVar variation 2870047 (VCV002870047.3), dbSNP rs987326621, ClinGen allele CA169820373.
Genomic context (GRCh38, chr7:156,764,204, plus strand): 5'-AGCCAAACAGTTCAGTGAGCACTGAACTTGGTGCGCCACAATGCTCCGAGCTGCTGGAGA[G>A]CGCCGGCTCTCTCTAGCATGGACTCTGGTGCTCCTCACAGCCTCCGGAGCCCTCTACTGT-3'